The following is an entry in ClinVar:

ClinVar aggregate classification (germline): Conflicting classifications of pathogenicity. Review status: criteria provided, conflicting classifications (1 of 4 stars). 3 submissions from 3 submitters: Uncertain significance (1); Likely benign (2). Last evaluated 2025-12-03.

Conditions:
Inborn genetic diseases. Identifiers: MedGen C0950123, MeSH D030342.

Allele frequency attached by ClinVar (database versions not stated): gnomAD 0.00014 and 0.00017; TOPMed 0.00015; 1000 Genomes Project 30x 0.00016; gnomAD exomes 0.00022 and 0.00031; ExAC 0.00028.
gnomAD v4.1: 340 of 1,614,024 alleles (0.021%); highest among the groups gnomAD compares: South Asian, 0.083%; 1 homozygote.

Submissions (3):

Labcorp Genetics (formerly Invitae), Labcorp
Classification: Likely benign. Last evaluated: 2025-12-03. Review status: criteria provided, single submitter. Criteria: Invitae Variant Classification Sherloc (09022015). Collection method: clinical testing. Allele origin: germline.

CeGaT Center for Human Genetics Tuebingen
Classification: Uncertain significance. Last evaluated: 2025-07-01. Review status: criteria provided, single submitter. Criteria: CeGaT Center For Human Genetics Tuebingen Variant Classification Criteria Version 2. Collection method: clinical testing. Allele origin: germline. Affected: yes. Observed: 1 variant allele.
Comment: DNAH9: PM2, BP4

Ambry Genetics
Classification: Likely benign for Inborn genetic diseases. Last evaluated: 2023-02-28. Review status: criteria provided, single submitter. Criteria: Ambry Variant Classification Scheme 2023. Collection method: clinical testing. Allele origin: germline.

NM_001372.4(DNAH9):c.2552A>G (p.Asn851Ser)

Gene: DNAH9 (dynein axonemal heavy chain 9; plus strand). Cytogenetic location: 17p12.
Variant type: single nucleotide variant.
Coding change: c.2552A>G on transcript NM_001372.4 (MANE Select); coding-DNA position 2552, A replaced by G.
Protein change: p.Asn851Ser; replaces asparagine 851 with serine.
Molecular consequence: missense variant.
Genome position (GRCh38, 1-based): chr17:11,652,959, A>G. VCF-style: chr17-11652959-A-G. GRCh37 (hg19) VCF-style: chr17-11556276-A-G.
Other names: c.2552A>G (NM_001372.3); short protein forms N851S.
Identifiers: ClinVar variation 1542897 (VCV001542897.17), dbSNP rs552079482, ClinGen allele CA8395199.
Genomic context (GRCh38, chr17:11,652,959, plus strand): 5'-GAAAAAGGGAATCCCTTCTTTCTCTGGATGATCGGCATGATCGAATGGAAAAATATTACA[A>G]TCTCATCAAGGAATCTGGCCTTAAGATCCACGCCCTTGTTCAGGTAATAACCCAGCCACT-3'
Protein context (NP_001363.2, residues 841-861): DRHDRMEKYY[Asn851Ser]LIKESGLKIH